The following is an entry in ClinVar:

NM_138773.4(SLC25A46):c.598G>A (p.Gly200Arg)

Gene: SLC25A46 (solute carrier family 25 member 46; plus strand). Cytogenetic location: 5q22.1.
Variant type: single nucleotide variant.
Coding change: c.598G>A on transcript NM_138773.4 (MANE Select); coding-DNA position 598, G replaced by A.
Protein change: p.Gly200Arg; replaces glycine 200 with arginine.
Molecular consequence: missense variant. On other transcripts: non-coding transcript variant (1).
Genome position (GRCh38, 1-based): chr5:110,755,499, G>A. VCF-style: chr5-110755499-G-A. GRCh37 (hg19) VCF-style: chr5-110091199-G-A.
Other names: c.598G>A, p.Gly200Arg (NM_001303249.3); c.325G>A, p.Gly109Arg (NM_001303250.3); short protein forms G200R, G109R.
Identifiers: ClinVar variation 567704 (VCV000567704.8), dbSNP rs767725140, ClinGen allele CA3364648.

ClinVar aggregate classification (germline): Conflicting classifications of pathogenicity. Review status: criteria provided, conflicting classifications (1 of 4 stars). 5 submissions from 5 submitters: Uncertain significance (3); Likely benign (1). 1 of the submissions does not count toward it. Last evaluated 2025-02-16.

Conditions:
Neuropathy, hereditary motor and sensory, type 6B (HMSN6B). Also called: Neuropathy, hereditary motor and sensory, type VIB; NEUROPATHY, HEREDITARY MOTOR AND SENSORY, TYPE VIB, WITH OPTIC ATROPHY; HMSN VIB; CHARCOT-MARIE-TOOTH DISEASE, TYPE 6B. Identifiers: MedGen C4225302, MONDO:0014671, OMIM 616505.
Optic atrophy. Identifiers: MedGen C0029124, MONDO:0003608, HP:0000648.

Allele frequency attached by ClinVar (database versions not stated): TOPMed 0.00002; ExAC 0.00006; gnomAD 0.00007 and 0.00008; gnomAD exomes 0.00014.
gnomAD v4.1: 96 of 1,572,750 alleles (0.0061%); highest among the groups gnomAD compares: Non-Finnish European, 0.0028%; no homozygotes.

Submissions (5):

Laboratory of Genetics, Children's Clinical University Hospital Latvia
Classification: Uncertain significance. Last evaluated: 2025-02-16. Review status: criteria provided, single submitter. Criteria: ACMG Guidelines, 2015. Collection method: clinical testing. Allele origin: germline. Affected: yes.

Blueprint Genetics
Classification: Likely benign. Last evaluated: 2024-08-13. Review status: criteria provided, single submitter. Criteria: ACMG Guidelines, 2015. Collection method: clinical testing. Allele origin: germline.

Labcorp Genetics (formerly Invitae), Labcorp
Classification: Uncertain significance for Neuropathy, hereditary motor and sensory, type 6B. Last evaluated: 2024-04-05. Review status: criteria provided, single submitter. Criteria: Invitae Variant Classification Sherloc (09022015). Collection method: clinical testing. Allele origin: germline.
Comment: This sequence change replaces glycine, which is neutral and non-polar, with arginine, which is basic and polar, at codon 200 of the SLC25A46 protein (p.Gly200Arg). This variant is present in population databases (rs767725140, gnomAD 0.1%). This variant has not been reported in the literature in individuals affected with SLC25A46-related conditions. ClinVar contains an entry for this variant (Variation ID: 567704). Advanced modeling of protein sequence and biophysical properties (such as structural, functional, and spatial information, amino acid conservation, physicochemical variation, residue mobility, and thermodynamic stability) performed at Invitae indicates that this missense variant is not expected to disrupt SLC25A46 protein function with a negative predictive value of 80%. In summary, the available evidence is currently insufficient to determine the role of this variant in disease. Therefore, it has been classified as a Variant of Uncertain Significance.

GeneDx
Classification: Uncertain significance. Last evaluated: 2022-04-21. Review status: criteria provided, single submitter. Criteria: GeneDx Variant Classification Process June 2021. Collection method: clinical testing. Allele origin: germline. Affected: yes.
Comment: In silico analysis supports that this missense variant has a deleterious effect on protein structure/function; Has not been previously published as pathogenic or benign to our knowledge

Institute of Human Genetics, Univ. Regensburg, Univ. Regensburg
Classification: Uncertain significance for Optic atrophy. Last evaluated: 2019-01-01. Review status: no assertion criteria provided. Criteria: ACMG Guidelines, 2015. Collection method: clinical testing. Allele origin: germline. Affected: yes. Not counted in ClinVar's aggregate classification.